The following is an entry in ClinVar:

NM_024675.4(PALB2):c.1427dup (p.Thr477fs)

Gene: PALB2 (partner and localizer of BRCA2; minus strand). Cytogenetic location: 16p12.2.
Variant type: Duplication.
Coding change: c.1427dup on transcript NM_024675.4 (MANE Select); coding-DNA position 1427, one base duplicated (G; older notation c.1427dupG).
Protein change: p.Thr477fs; shifts the reading frame from threonine 477.
Molecular consequence: frameshift variant.
Genome position (GRCh38, 1-based): chr16:23,635,119, C duplicated on the plus strand (G on the coding strand, the reverse complement: PALB2 is on the minus strand). VCF-style (leftmost placement, unchanged base first): chr16-23635118-T-TC. GRCh37 (hg19) VCF-style: chr16-23646439-T-TC.
Other names: short protein forms T477fs.
Identifiers: ClinVar variation 1070435 (VCV001070435.10), dbSNP rs2142416277, ClinGen allele CA2499223436.

ClinVar aggregate classification (germline): Pathogenic. Review status: criteria provided, multiple submitters, no conflicts (2 of 4 stars). 2 submissions from 2 submitters: Pathogenic (2). Last evaluated 2020-05-29.

Conditions:
Hereditary cancer-predisposing syndrome. Also called: Hereditary neoplastic syndrome; Tumor predisposition; Hereditary Cancer Syndrome; Neoplastic Syndromes, Hereditary. Identifiers: Orphanet 140162, MedGen C0027672, MeSH D009386, MONDO:0015356.
Familial cancer of breast. Also called: hereditary breast carcinoma; BREAST CANCER, FAMILIAL; Hereditary breast cancer. Identifiers: Orphanet 227535, MedGen C0346153, MONDO:0016419, OMIM 114480. Disease mechanism: loss of function.

Allele frequency attached by ClinVar (database versions not stated): gnomAD exomes below 0.00001.

Submissions (2):

Labcorp Genetics (formerly Invitae), Labcorp
Classification: Pathogenic for Familial cancer of breast. Last evaluated: 2020-05-29. Review status: criteria provided, single submitter. Criteria: Invitae Variant Classification Sherloc (09022015). Collection method: clinical testing. Allele origin: germline.
Comment: This variant has not been reported in the literature in individuals with PALB2-related conditions. This sequence change creates a premature translational stop signal (p.Thr477Asnfs*10) in the PALB2 gene. It is expected to result in an absent or disrupted protein product. This variant is not present in population databases (ExAC no frequency). Loss-of-function variants in PALB2 are known to be pathogenic (PMID: 17200668, 24136930, 25099575). For these reasons, this variant has been classified as Pathogenic.

Ambry Genetics
Classification: Pathogenic for Hereditary cancer-predisposing syndrome. Last evaluated: 2019-06-13. Review status: criteria provided, single submitter. Criteria: Ambry Variant Classification Scheme 2023. Collection method: clinical testing. Allele origin: germline.
Comment: The c.1427dupG pathogenic mutation, located in coding exon 4 of the PALB2 gene, results from a duplication of G at nucleotide position 1427, causing a translational frameshift with a predicted alternate stop codon (p.T477Nfs*10). This alteration is expected to result in loss of function by premature protein truncation or nonsense-mediated mRNA decay. As such, this alteration is interpreted as a disease-causing mutation.

Literature cited by the submitters: PubMed 17200668 (cited by Labcorp Genetics (formerly Invitae), Labcorp); PubMed 24136930 (cited by Labcorp Genetics (formerly Invitae), Labcorp); PubMed 25099575 (cited by Labcorp Genetics (formerly Invitae), Labcorp).